The following is an entry in ClinVar:

ClinVar aggregate classification (germline): Benign/Likely benign. Review status: criteria provided, multiple submitters, no conflicts (2 of 4 stars). 3 submissions from 2 submitters: Benign (1); Likely benign (2). Last evaluated 2018-01-13.

Conditions:
GTP cyclohydrolase I deficiency. Identifiers: MedGen C0268467, MONDO:0100184.
Dystonia 5 (DRD). Also called: DYSTONIA, PROGRESSIVE, WITH DIURNAL VARIATION; DYSTONIA-PARKINSONISM WITH DIURNAL FLUCTUATION; Dystonia, DOPA-responsive, with or without hyperphenylalaninemia; GTP Cyclohydrolase 1-Deficient Dopa-Responsive Dystonia; DYT-GCH1. Identifiers: Orphanet 98808, MedGen C1851920, MONDO:0007495, OMIM 128230.

Allele frequency attached by ClinVar (database versions not stated): 1000 Genomes Project 30x 0.00062; 1000 Genomes Project 0.00080; TOPMed 0.00187.
gnomAD v4.1: 1,172 of 590,464 alleles (0.2%); highest among the groups gnomAD compares: Non-Finnish European, 0.28%; 3 homozygotes.

Submissions (3):

Illumina Laboratory Services, Illumina
Classification: Likely benign for GTP cyclohydrolase I deficiency with hyperphenylalaninemia. Last evaluated: 2018-01-13. Review status: criteria provided, single submitter. Criteria: ICSL Variant Classification Criteria 13 December 2019. Collection method: clinical testing. Allele origin: germline.
Comment: This variant was observed in the ICSL laboratory as part of a predisposition screen in an ostensibly healthy population. It had not been previously curated by ICSL or reported in the Human Gene Mutation Database (HGMD: prior to June 1st, 2018), and was therefore a candidate for classification through an automated scoring system. Utilizing variant allele frequency, disease prevalence and penetrance estimates, and inheritance mode, an automated score was calculated to assess if this variant is too frequent to cause the disease. Based on the score and internal cut-off values, a variant classified as likely benign is not then subjected to further curation. The score for this variant resulted in a classification of likely benign for this disease.

Illumina Laboratory Services, Illumina
Classification: Benign for Dystonia 5. Last evaluated: 2018-01-13. Review status: criteria provided, single submitter. Criteria: ICSL Variant Classification Criteria 13 December 2019. Collection method: clinical testing. Allele origin: germline.
Comment: This variant was observed in the ICSL laboratory as part of a predisposition screen in an ostensibly healthy population. It had not been previously curated by ICSL or reported in the Human Gene Mutation Database (HGMD: prior to June 1st, 2018), and was therefore a candidate for classification through an automated scoring system. Utilizing variant allele frequency, disease prevalence and penetrance estimates, and inheritance mode, an automated score was calculated to assess if this variant is too frequent to cause the disease. Based on the score and internal cut-off values, a variant classified as benign is not then subjected to further curation. The score for this variant resulted in a classification of benign for this disease.

Breakthrough Genomics
Classification: Likely benign. Review status: criteria provided, single submitter. Criteria: ACMG Guidelines, 2015. Collection method: not provided. Allele origin: germline. Inheritance: Autosomal recessive inheritance. Affected: yes.

NM_000161.3(GCH1):c.*1122A>T

Gene: GCH1 (GTP cyclohydrolase 1; minus strand). Cytogenetic location: 14q22.2.
Variant type: single nucleotide variant.
Coding change: c.*1122A>T on transcript NM_000161.3 (MANE Select); 1122 bases downstream of the stop codon, A replaced by T.
Molecular consequence: 3 prime UTR variant.
Genome position (GRCh38, 1-based): chr14:54,842,895, T>A on the plus strand (A>T on the coding strand, the complement: GCH1 is on the minus strand). VCF-style: chr14-54842895-T-A. GRCh37 (hg19) VCF-style: chr14-55309613-T-A.
Other names: c.*176A>T (NM_001024024.2); c.*172A>T (NM_001024070.2); c.*144A>T (NM_001024071.2).
Identifiers: ClinVar variation 313372 (VCV000313372.6), dbSNP rs56126158, ClinGen allele CA10644312.